The following is an entry in ClinVar:

ClinVar aggregate classification (germline): Uncertain significance (1 of 4 stars; one submission).

Conditions:
Hyperekplexia 3 (HKPX3). Also called: HYPEREKPLEXIA 3, AUTOSOMAL RECESSIVE; HYPEREKPLEXIA 3, AUTOSOMAL DOMINANT. Identifiers: Orphanet 3197, MedGen C3553288, MONDO:0013827, OMIM 614618.

Submission:

Labcorp Genetics (formerly Invitae), Labcorp
Classification: Uncertain significance for Hyperekplexia 3. Last evaluated: 2022-02-03. Review status: criteria provided, single submitter. Criteria: Invitae Variant Classification Sherloc (09022015). Collection method: clinical testing. Allele origin: germline.
Comment: In summary, the available evidence is currently insufficient to determine the role of this variant in disease. Therefore, it has been classified as a Variant of Uncertain Significance. Advanced modeling of protein sequence and biophysical properties (such as structural, functional, and spatial information, amino acid conservation, physicochemical variation, residue mobility, and thermodynamic stability) performed at Invitae indicates that this missense variant is not expected to disrupt SLC6A5 protein function. This variant has not been reported in the literature in individuals affected with SLC6A5-related conditions. This variant is not present in population databases (gnomAD no frequency). This sequence change replaces threonine, which is neutral and polar, with asparagine, which is neutral and polar, at codon 360 of the SLC6A5 protein (p.Thr360Asn).

NM_004211.5(SLC6A5):c.1079C>A (p.Thr360Asn)

Gene: SLC6A5 (solute carrier family 6 member 5; plus strand). Cytogenetic location: 11p15.1.
Variant type: single nucleotide variant.
Coding change: c.1079C>A on transcript NM_004211.5 (MANE Select); coding-DNA position 1079, C replaced by A.
Protein change: p.Thr360Asn; replaces threonine 360 with asparagine.
Molecular consequence: missense variant.
Genome position (GRCh38, 1-based): chr11:20,614,772, C>A. VCF-style: chr11-20614772-C-A. GRCh37 (hg19) VCF-style: chr11-20636318-C-A.
Other names: c.377C>A, p.Thr126Asn (NM_001318369.2); short protein forms T360N, T126N.
Identifiers: ClinVar variation 2092497 (VCV002092497.4), dbSNP rs2133784774, ClinGen allele CA379915725.
Genomic context (GRCh38, chr11:20,614,772, plus strand): 5'-AGATCAAGAACTCGACTTTCTGCATGACCGCTTATCCCAACGTGACAATGGTTAATTTCA[C>A]CAGCCAGGCCAATAAGACATTTGTCAGTGGAAGTGAAGAGTACTTCAAGTAAGATGACTT-3'
Protein context (NP_004202.4, residues 350-370): AYPNVTMVNF[Thr360Asn]SQANKTFVSG